The following is an entry in ClinVar:

ClinVar aggregate classification (germline): Pathogenic (1 of 4 stars; one submission).

Conditions:
Walker-Warburg congenital muscular dystrophy. Also called: Muscular dystrophy-dystroglycanopathy, type A; Walker-Warburg syndrome. Identifiers: Orphanet 899, MedGen C0265221, MONDO:0000171.

Submission:

Labcorp Genetics (formerly Invitae), Labcorp
Classification: Pathogenic for Walker-Warburg congenital muscular dystrophy. Last evaluated: 2020-12-26. Review status: criteria provided, single submitter. Criteria: Invitae Variant Classification Sherloc (09022015). Collection method: clinical testing. Allele origin: germline.
Comment: The frequency data for this variant in the population databases is considered unreliable, as metrics indicate insufficient coverage at this position in the ExAC database. For these reasons, this variant has been classified as Pathogenic. This variant disrupts the C-terminus of the FKRP protein. Other variant(s) that disrupt this region (p.Ser385*) have been determined to be pathogenic (PMID: 11592034, 14742276, 12707425, 12666124). This suggests that variants that disrupt this region of the protein are likely to be causative of disease. This variant has not been reported in the literature in individuals with FKRP-related conditions. This sequence change creates a premature translational stop signal (p.Glu260Alafs*15) in the FKRP gene. While this is not anticipated to result in nonsense mediated decay, it is expected to disrupt the last 236 amino acid(s) of the FKRP protein.

Literature cited by the submitters: PubMed 11592034; PubMed 14742276; PubMed 12707425; PubMed 12666124.

NM_024301.5(FKRP):c.779_785del (p.Glu260fs)

Gene: FKRP (fukutin related protein; plus strand). Cytogenetic location: 19q13.32.
Variant type: Deletion.
Coding change: c.779_785del on transcript NM_024301.5 (MANE Select); coding-DNA positions 779 to 785, 7 bases deleted (AGGGACG; older notation c.779_785delAGGGACG).
Protein change: p.Glu260fs; shifts the reading frame from glutamic acid 260.
Molecular consequence: frameshift variant.
Genome position (GRCh38, 1-based): chr19:46,756,229-46,756,235, AGGGACG deleted; deleting any 7 consecutive bases within chr19:46,756,227-46,756,235 gives the same sequence; the c. name uses the placement nearest the transcript's 3' end. VCF-style (leftmost placement, unchanged base first): chr19-46756226-GCGAGGGA-G. GRCh37 (hg19) VCF-style: chr19-47259483-GCGAGGGA-G.
Other names: c.779_785del, p.Glu260fs (NM_001039885.3); short protein forms E260fs.
Identifiers: ClinVar variation 1452093 (VCV001452093.8), dbSNP rs2122623346, ClinGen allele CA2573156478.